The following is an entry in ClinVar:

ClinVar aggregate classification (germline): Uncertain significance (1 of 4 stars; one submission).

Conditions:
Developmental and epileptic encephalopathy, 53. Also called: Epileptic encephalopathy, early infantile, 53. Identifiers: MedGen C4479313, MONDO:0033362, OMIM 617389.
Early-onset Parkinson disease 20. Also called: PARKINSON DISEASE 20, AUTOSOMAL RECESSIVE EARLY-ONSET. Identifiers: Orphanet 391411, MedGen C3809824, MONDO:0014233, OMIM 615530.

Allele frequency attached by ClinVar (database versions not stated): gnomAD exomes 0.00002 and 0.00003; ExAC 0.00003; gnomAD 0.00003 and 0.00004; TOPMed 0.00003.
gnomAD v4.1: 45 of 1,613,964 alleles (0.0028%); highest among the groups gnomAD compares: East Asian, 0.0067%; no homozygotes.

Submission:

Labcorp Genetics (formerly Invitae), Labcorp
Classification: Uncertain significance for Developmental and epileptic encephalopathy, 53; Early-onset Parkinson disease 20. Last evaluated: 2021-11-08. Review status: criteria provided, single submitter. Criteria: Invitae Variant Classification Sherloc (09022015). Collection method: clinical testing. Allele origin: germline.
Comment: This sequence change replaces alanine, which is neutral and non-polar, with threonine, which is neutral and polar, at codon 1251 of the SYNJ1 protein (p.Ala1251Thr). This variant is present in population databases (rs769125182, gnomAD 0.01%). This variant has not been reported in the literature in individuals affected with SYNJ1-related conditions. ClinVar contains an entry for this variant (Variation ID: 646428). Algorithms developed to predict the effect of missense changes on protein structure and function (SIFT, PolyPhen-2, Align-GVGD) all suggest that this variant is likely to be tolerated. In summary, the available evidence is currently insufficient to determine the role of this variant in disease. Therefore, it has been classified as a Variant of Uncertain Significance.

NM_203446.3(SYNJ1):c.3634G>A (p.Ala1212Thr)

Gene: SYNJ1 (synaptojanin 1; minus strand). Cytogenetic location: 21q22.11.
Variant type: single nucleotide variant.
Coding change: c.3634G>A on transcript NM_203446.3 (MANE Select); coding-DNA position 3634, G replaced by A.
Protein change: p.Ala1212Thr; replaces alanine 1212 with threonine.
Molecular consequence: missense variant.
Genome position (GRCh38, 1-based): chr21:32,639,734, C>T on the plus strand (G>A on the coding strand, the complement: SYNJ1 is on the minus strand). VCF-style: chr21-32639734-C-T. GRCh37 (hg19) VCF-style: chr21-34012044-C-T.
Other names: c.3586G>A, p.Ala1196Thr (NM_001160302.2); c.3493G>A, p.Ala1165Thr (NM_001160306.2); c.3751G>A, p.Ala1251Thr (NM_003895.4); short protein forms A1196T, A1251T, A1165T, A1212T.
Identifiers: ClinVar variation 646428 (VCV000646428.4), dbSNP rs769125182, ClinGen allele CA10003306.